The following is an entry in ClinVar:

NM_001042492.3(NF1):c.2326-5T>G

Gene: NF1 (neurofibromin 1; plus strand). Cytogenetic location: 17q11.2.
Variant type: single nucleotide variant.
Coding change: c.2326-5T>G on transcript NM_001042492.3 (MANE Select); 5 bases into the intron before coding-DNA position 2326, T replaced by G.
Molecular consequence: intron variant.
Genome position (GRCh38, 1-based): chr17:31,227,518, T>G. VCF-style: chr17-31227518-T-G. GRCh37 (hg19) VCF-style: chr17-29554536-T-G.
Other names: c.2326-5T>G (NM_000267.4).
Identifiers: ClinVar variation 2677235 (VCV002677235.3), dbSNP rs1131691086, ClinGen allele CA2695201282.

ClinVar aggregate classification (germline): Conflicting classifications of pathogenicity. Review status: criteria provided, conflicting classifications (1 of 4 stars). 2 submissions from 2 submitters: Likely pathogenic (1); Uncertain significance (1). Last evaluated 2025-09-29.

Conditions:
Cardiovascular phenotype. Identifiers: MedGen CN230736.
Hereditary cancer-predisposing syndrome. Also called: Neoplastic Syndromes, Hereditary; Tumor predisposition; Hereditary Cancer Syndrome; Hereditary neoplastic syndrome. Identifiers: Orphanet 140162, MedGen C0027672, MeSH D009386, MONDO:0015356.
Juvenile myelomonocytic leukemia (JMML). Also called: LEUKEMIA, JUVENILE MYELOMONOCYTIC, SOMATIC. Identifiers: Orphanet 86834, MedGen C0349639, MONDO:0011908, OMIM 607785, HP:0012209.

Submissions (2):

Ambry Genetics
Classification: Likely pathogenic for Cardiovascular phenotype; Hereditary cancer-predisposing syndrome. Last evaluated: 2025-09-29. Review status: criteria provided, single submitter. Criteria: Ambry Variant Classification Scheme 2023. Collection method: clinical testing. Allele origin: germline.
Comment: The c.2326-5T>G intronic variant results from a T to G substitution 5 nucleotides upstream from coding exon 20 in the NF1 gene. This nucleotide position is highly conserved in available vertebrate species. In silico splice site analysis for this alteration is inconclusive. RNA studies have demonstrated that this alteration results in abnormal splicing in the set of samples tested (Ambry internal data). This variant is considered to be rare based on population cohorts in the Genome Aggregation Database (gnomAD). Based on the majority of available evidence to date, this variant is likely to be pathogenic.

Baylor Genetics
Classification: Uncertain significance for Juvenile myelomonocytic leukemia. Last evaluated: 2022-02-25. Review status: criteria provided, single submitter. Criteria: ACMG Guidelines, 2015. Collection method: clinical testing. Allele origin: unknown.